The following is an entry in ClinVar:

NM_001909.5(CTSD):c.908del (p.Gly303fs)

Gene: CTSD (cathepsin D; minus strand). Cytogenetic location: 11p15.5.
Variant type: Deletion.
Coding change: c.908del on transcript NM_001909.5 (MANE Select); coding-DNA position 908, one base deleted (G; older notation c.908delG).
Protein change: p.Gly303fs; shifts the reading frame from glycine 303.
Molecular consequence: frameshift variant.
Genome position (GRCh38, 1-based): chr11:1,754,058, C deleted on the plus strand (G on the coding strand, the reverse complement: CTSD is on the minus strand); the first of 3 consecutive C bases (chr11:1,754,058-1,754,060); deleting any one gives the same sequence. VCF-style (leftmost placement, unchanged base first): chr11-1754057-GC-G. GRCh37 (hg19) VCF-style: chr11-1775287-GC-G.
Other names: short protein forms G303fs.
Identifiers: ClinVar variation 1441635 (VCV001441635.6), dbSNP rs2133657906, ClinGen allele CA2573146021.

ClinVar aggregate classification (germline): Pathogenic (1 of 4 stars; one submission).

Conditions:
Neuronal ceroid lipofuscinosis. Also called: Neuronal Ceroid Lipofuscinoses. Identifiers: Orphanet 216, Orphanet 79263, MedGen C0027877, MONDO:0016295. Disease mechanism: loss of function.

Submission:

Labcorp Genetics (formerly Invitae), Labcorp
Classification: Pathogenic for Neuronal ceroid lipofuscinosis. Last evaluated: 2021-06-29. Review status: criteria provided, single submitter. Criteria: Invitae Variant Classification Sherloc (09022015). Collection method: clinical testing. Allele origin: germline.
Comment: For these reasons, this variant has been classified as Pathogenic. This variant has not been reported in the literature in individuals affected with CTSD-related conditions. This sequence change creates a premature translational stop signal (p.Gly303Alafs*18) in the CTSD gene. It is expected to result in an absent or disrupted protein product. Loss-of-function variants in CTSD are known to be pathogenic (PMID: 16670177, 26059544). This variant is not present in population databases (ExAC no frequency).

Literature cited by the submitters: PubMed 16670177; PubMed 26059544.